The following is an entry in ClinVar:

ClinVar aggregate classification (germline): Likely pathogenic (1 of 4 stars; one submission).

Conditions:
Autosomal recessive limb-girdle muscular dystrophy type 2J (LGMDR10). Also called: Limb-girdle muscular dystrophy, type 2J; MUSCULAR DYSTROPHY, LIMB-GIRDLE, AUTOSOMAL RECESSIVE 10. Identifiers: Orphanet 140922, MedGen C1837342, MONDO:0012127, OMIM 608807.
Dilated cardiomyopathy 1G (CMD1G). Identifiers: Orphanet 154, MedGen C1858763, MONDO:0011400, OMIM 604145.

Submission:

Labcorp Genetics (formerly Invitae), Labcorp
Classification: Likely pathogenic for Dilated cardiomyopathy 1G; Autosomal recessive limb-girdle muscular dystrophy type 2J. Last evaluated: 2025-09-24. Review status: criteria provided, single submitter. Criteria: Invitae Variant Classification Sherloc (09022015). Collection method: clinical testing. Allele origin: germline.
Comment: This sequence change creates a premature translational stop signal (p.Glu32368*) in the TTN gene. While this is not anticipated to result in nonsense mediated decay, it is expected to create a truncated TTN protein. This variant is not present in population databases (gnomAD no frequency). This variant has not been reported in the literature in individuals affected with TTN-related conditions. This variant is located in the A band of TTN (PMID: 25589632). Truncating variants in this region are significantly overrepresented in patients affected with dilated cardiomyopathy (PMID: 25589632). Truncating variants in this region have also been reported in individuals affected with autosomal recessive centronuclear myopathy (PMID: 23975875). In summary, the currently available evidence indicates that the variant is pathogenic, but additional data are needed to prove that conclusively. Therefore, this variant has been classified as Likely Pathogenic.

Literature cited by the submitters: PubMed 25589632; PubMed 23975875.

NM_001267550.2(TTN):c.97102G>T (p.Glu32368Ter)

Genes: TTN-AS1 (TTN antisense RNA 1; plus strand), TTN (titin; minus strand). Cytogenetic location: 2q31.2.
Variant type: single nucleotide variant.
Coding change: c.97102G>T on transcript NM_001267550.2 (MANE Select); coding-DNA position 97102, G replaced by T.
Protein change: p.Glu32368Ter; replaces glutamic acid 32368 with a stop codon.
Molecular consequence: nonsense.
Genome position (GRCh38, 1-based): chr2:178,542,752, C>A on the plus strand (G>T on the coding strand, the complement: TTN is on the minus strand). VCF-style: chr2-178542752-C-A. GRCh37 (hg19) VCF-style: chr2-179407479-C-A.
Other names: c.92179G>T, p.Glu30727Ter (NM_001256850.1); c.69907G>T, p.Glu23303Ter (NM_003319.4); c.89398G>T, p.Glu29800Ter (NM_133378.4); c.70282G>T, p.Glu23428Ter (NM_133432.3); c.70483G>T, p.Glu23495Ter (NM_133437.4); short protein forms E23428*, E23495*, E29800*, E32368*, E23303*, E30727*.
Identifiers: ClinVar variation 4786226 (VCV004786226.1).